The following is an entry in ClinVar:

NM_001723.7(DST):c.4879A>G (p.Ser1627Gly)

Gene: DST (dystonin; minus strand). Cytogenetic location: 6p12.1.
Variant type: single nucleotide variant.
Coding change: c.4879A>G on transcript NM_001723.7 (MANE Plus Clinical); coding-DNA position 4879, A replaced by G.
Protein change: p.Ser1627Gly; replaces serine 1627 with glycine.
Molecular consequence: missense variant. On other transcripts: intron variant (10).
Genome position (GRCh38, 1-based): chr6:56,619,155, T>C on the plus strand (A>G on the coding strand, the complement: DST is on the minus strand). VCF-style: chr6-56619155-T-C. GRCh37 (hg19) VCF-style: chr6-56483953-T-C.
Other names: c.4831-4671A>G (NM_001144769.5); c.4930-4671A>G (NM_001374722.1, NM_001374736.1); c.4957-4671A>G (NM_001374734.1); c.4417-4671A>G (NM_001144770.2); c.4297-4671A>G (NM_001374730.1, NM_001386100.1, NM_183380.4 and 1 more transcripts); c.3319-4671A>G (NM_015548.5); short protein forms S1627G.
Identifiers: ClinVar variation 1933401 (VCV001933401.2), dbSNP rs761199906, ClinGen allele CA139209359.

ClinVar aggregate classification (germline): Uncertain significance (1 of 4 stars; one submission).

Conditions:
Hereditary sensory and autonomic neuropathy type 6. Also called: HSAN VI; Neuropathy, hereditary sensory and autonomic, type VI. Identifiers: Orphanet 314381, MedGen C3539003, MONDO:0013839, OMIM 614653.
Epidermolysis bullosa simplex 3, localized or generalized intermediate, with BP230 deficiency (EBS3). Also called: Epidermolysis bullosa simplex, autosomal recessive 2; Epidermolysis bullosa simplex due to BP230 deficiency. Identifiers: Orphanet 412181, MedGen C3809470, MONDO:0014180, OMIM 615425.

Allele frequency attached by ClinVar (database versions not stated): gnomAD 0.00001.
gnomAD v4.1: 8 of 1,613,988 alleles (0.0005%); highest among the groups gnomAD compares: Non-Finnish European, 0.00068%; no homozygotes.

Submission:

Labcorp Genetics (formerly Invitae), Labcorp
Classification: Uncertain significance for Epidermolysis bullosa simplex 3, localized or generalized intermediate, with BP230 deficiency; Hereditary sensory and autonomic neuropathy type 6. Last evaluated: 2022-07-30. Review status: criteria provided, single submitter. Criteria: Invitae Variant Classification Sherloc (09022015). Collection method: clinical testing. Allele origin: germline.
Comment: This sequence change replaces serine, which is neutral and polar, with glycine, which is neutral and non-polar, at codon 1627 of the DST protein (p.Ser1627Gly). This variant is present in population databases (rs761199906, gnomAD 0.007%). This variant has not been reported in the literature in individuals affected with DST-related conditions. Algorithms developed to predict the effect of missense changes on protein structure and function are either unavailable or do not agree on the potential impact of this missense change (SIFT: "Deleterious"; PolyPhen-2: "Benign"; Align-GVGD: "Class C0"). In summary, the available evidence is currently insufficient to determine the role of this variant in disease. Therefore, it has been classified as a Variant of Uncertain Significance.